The following is an entry in ClinVar:

NM_003072.5(SMARCA4):c.4194G>C (p.Glu1398Asp)

Gene: SMARCA4 (SWI/SNF related BAF chromatin remodeling complex subunit ATPase 4; plus strand). Cytogenetic location: 19p13.2.
Variant type: single nucleotide variant.
Coding change: c.4194G>C on transcript NM_003072.5 (MANE Select); coding-DNA position 4194, G replaced by C.
Protein change: p.Glu1398Asp; replaces glutamic acid 1398 with aspartic acid.
Molecular consequence: missense variant. On other transcripts: non-coding transcript variant (1).
Genome position (GRCh38, 1-based): chr19:11,041,330, G>C. VCF-style: chr19-11041330-G-C. GRCh37 (hg19) VCF-style: chr19-11152006-G-C.
Other names: c.4194G>C, p.Glu1398Asp (NM_001128844.3); c.4104G>C, p.Glu1368Asp (NM_001128845.2, NM_001128846.2); c.4095G>C, p.Glu1365Asp (NM_001128847.4, NM_001128848.2, NM_001374457.1); c.4290G>C, p.Glu1430Asp (NM_001128849.3, NM_001387283.1); short protein forms E1368D, E1430D, E1365D, E1398D.
Identifiers: ClinVar variation 643764 (VCV000643764.8), dbSNP rs1555788088, ClinGen allele CA404072793.

ClinVar aggregate classification (germline): Uncertain significance (1 of 4 stars; one submission).

Conditions:
Rhabdoid tumor predisposition syndrome 2 (RTPS2). Identifiers: Orphanet 231108, Orphanet 69077, MedGen C2750074, MONDO:0013224, OMIM 613325.

Submission:

Labcorp Genetics (formerly Invitae), Labcorp
Classification: Uncertain significance for Rhabdoid tumor predisposition syndrome 2. Last evaluated: 2018-12-20. Review status: criteria provided, single submitter. Criteria: Invitae Variant Classification Sherloc (09022015). Collection method: clinical testing. Allele origin: germline.
Comment: Algorithms developed to predict the effect of missense changes on protein structure and function (SIFT, PolyPhen-2, Align-GVGD) all suggest that this variant is likely to be tolerated, but these predictions have not been confirmed by published functional studies and their clinical significance is uncertain. In summary, the available evidence is currently insufficient to determine the role of this variant in disease. Therefore, it has been classified as a Variant of Uncertain Significance. This variant has not been reported in the literature in individuals with SMARCA4-related conditions. This variant is not present in population databases (ExAC no frequency). This sequence change replaces glutamic acid with aspartic acid at codon 1430 of the SMARCA4 protein (p.Glu1430Asp). The glutamic acid residue is highly conserved and there is a small physicochemical difference between glutamic acid and aspartic acid.